The following is an entry in ClinVar:

NM_024884.3(L2HGDH):c.167G>A (p.Gly56Asp)

Gene: L2HGDH (L-2-hydroxyglutarate dehydrogenase; minus strand). Cytogenetic location: 14q21.3.
Variant type: single nucleotide variant.
Coding change: c.167G>A on transcript NM_024884.3 (MANE Select); coding-DNA position 167, G replaced by A.
Protein change: p.Gly56Asp; replaces glycine 56 with aspartic acid.
Molecular consequence: missense variant.
Genome position (GRCh38, 1-based): chr14:50,302,991, C>T on the plus strand (G>A on the coding strand, the complement: L2HGDH is on the minus strand). VCF-style: chr14-50302991-C-T. GRCh37 (hg19) VCF-style: chr14-50769709-C-T.
Other names: short protein forms G56D.
Identifiers: ClinVar variation 1489031 (VCV001489031.6), dbSNP rs2139215771, ClinGen allele CA389659641.

ClinVar aggregate classification (germline): Uncertain significance (1 of 4 stars; one submission).

Conditions:
L-2-hydroxyglutaric aciduria (L2HGA). Identifiers: Orphanet 79314, MedGen C1855995, MONDO:0009370, OMIM 236792, HP:0040144.

Submission:

Labcorp Genetics (formerly Invitae), Labcorp
Classification: Uncertain significance for L-2-hydroxyglutaric aciduria. Last evaluated: 2024-02-23. Review status: criteria provided, single submitter. Criteria: Invitae Variant Classification Sherloc (09022015). Collection method: clinical testing. Allele origin: germline.
Comment: This sequence change replaces glycine, which is neutral and non-polar, with aspartic acid, which is acidic and polar, at codon 56 of the L2HGDH protein (p.Gly56Asp). This variant is not present in population databases (gnomAD no frequency). This variant has not been reported in the literature in individuals affected with L2HGDH-related conditions. ClinVar contains an entry for this variant (Variation ID: 1489031). Advanced modeling of protein sequence and biophysical properties (such as structural, functional, and spatial information, amino acid conservation, physicochemical variation, residue mobility, and thermodynamic stability) performed at Invitae indicates that this missense variant is expected to disrupt L2HGDH protein function with a positive predictive value of 80%. In summary, the available evidence is currently insufficient to determine the role of this variant in disease. Therefore, it has been classified as a Variant of Uncertain Significance.